The following is an entry in ClinVar:

NM_006236.3(POU3F3):c.1165T>G (p.Ser389Ala)

Gene: POU3F3 (POU class 3 homeobox 3; plus strand). Cytogenetic location: 2q12.1.
Variant type: single nucleotide variant.
Coding change: c.1165T>G on transcript NM_006236.3 (MANE Select); coding-DNA position 1165, T replaced by G.
Protein change: p.Ser389Ala; replaces serine 389 with alanine.
Molecular consequence: missense variant.
Genome position (GRCh38, 1-based): chr2:104,856,675, T>G. VCF-style: chr2-104856675-T-G. GRCh37 (hg19) VCF-style: chr2-105473133-T-G.
Other names: short protein forms S389A.
Identifiers: ClinVar variation 1333685 (VCV001333685.1), dbSNP rs2104341097, ClinGen allele CA348098356.

ClinVar aggregate classification (germline): Likely pathogenic (1 of 4 stars; one submission).

Conditions:
Snijders blok-fisher syndrome. Identifiers: Orphanet 656135, MedGen C5231424, MONDO:0032830, OMIM 618604.

Submission:

3billion
Classification: Likely pathogenic for Snijders blok-fisher syndrome. Last evaluated: 2022-01-03. Review status: criteria provided, single submitter. Criteria: ACMG Guidelines, 2015. Collection method: clinical testing. Allele origin: germline. Affected: yes. Observed: 1 heterozygote.
Comment: The variant is not observed in the gnomAD v2.1.1 dataset (PM2_M). The variant was observed to be de novo (3billion dataset, PS2_S). Therefore, this variant is classified as likely pathogenic according to the recommendation of ACMG/AMP guideline.